The following is an entry in ClinVar:

NM_014319.5(LEMD3):c.242C>T (p.Pro81Leu)

Gene: LEMD3 (LEM domain containing 3; plus strand). Cytogenetic location: 12q14.3.
Variant type: single nucleotide variant.
Coding change: c.242C>T on transcript NM_014319.5 (MANE Select); coding-DNA position 242, C replaced by T.
Protein change: p.Pro81Leu; replaces proline 81 with leucine.
Molecular consequence: missense variant.
Genome position (GRCh38, 1-based): chr12:65,169,838, C>T. VCF-style: chr12-65169838-C-T. GRCh37 (hg19) VCF-style: chr12-65563618-C-T.
Other names: c.242C>T, p.Pro81Leu (NM_001167614.2); short protein forms P81L.
Identifiers: ClinVar variation 1392335 (VCV001392335.8), dbSNP rs745669202, ClinGen allele CA385672235.

ClinVar aggregate classification (germline): Uncertain significance (1 of 4 stars; one submission).

Allele frequency attached by ClinVar (database versions not stated): gnomAD 0.00001; gnomAD exomes 0.00001; TOPMed 0.00001.
gnomAD v4.1: 7 of 1,464,904 alleles (0.00048%); highest among the groups gnomAD compares: South Asian, 0.0014%; no homozygotes.

Submission:

Labcorp Genetics (formerly Invitae), Labcorp
Classification: Uncertain significance. Last evaluated: 2025-10-27. Review status: criteria provided, single submitter. Criteria: Invitae Variant Classification Sherloc (09022015). Collection method: clinical testing. Allele origin: germline.
Comment: This sequence change replaces proline, which is neutral and non-polar, with leucine, which is neutral and non-polar, at codon 81 of the LEMD3 protein (p.Pro81Leu). This variant is present in population databases (no rsID available, gnomAD 0.004%). This variant has not been reported in the literature in individuals affected with LEMD3-related conditions. ClinVar contains an entry for this variant (Variation ID: 1392335). An algorithm developed to predict the effect of missense changes on protein structure and function (PolyPhen-2) suggests that this variant is likely to be tolerated. In summary, the available evidence is currently insufficient to determine the role of this variant in disease. Therefore, it has been classified as a Variant of Uncertain Significance.